The following is an entry in ClinVar:

NM_058216.3(RAD51C):c.706-7T>C

Gene: RAD51C (RAD51 paralog C; plus strand). Cytogenetic location: 17q22.
Variant type: single nucleotide variant.
Coding change: c.706-7T>C on transcript NM_058216.3 (MANE Select); 7 bases into the intron before coding-DNA position 706, T replaced by C.
Molecular consequence: intron variant.
Genome position (GRCh38, 1-based): chr17:58,709,852, T>C. VCF-style: chr17-58709852-T-C. GRCh37 (hg19) VCF-style: chr17-56787213-T-C.
Identifiers: ClinVar variation 538796 (VCV000538796.9), dbSNP rs1555599087, ClinGen allele CA658798913.

ClinVar aggregate classification (germline): Likely benign. Review status: criteria provided, multiple submitters, no conflicts (2 of 4 stars). 2 submissions from 2 submitters: Likely benign (2). Last evaluated 2025-02-18.

Conditions:
Breast-ovarian cancer, familial, susceptibility to, 3. Also called: RAD51C-Related Breast/Ovarian Cancer. Identifiers: Orphanet 145, MedGen C3150659, MONDO:0013253, OMIM 613399.
Fanconi anemia complementation group O. Also called: RAD51C-Related Fanconi Anemia. Identifiers: Orphanet 84, MedGen C3150653, MONDO:0013248, OMIM 613390.

Allele frequency attached by ClinVar (database versions not stated): gnomAD exomes below 0.00001.
gnomAD v4.1: 4 of 1,601,446 alleles (0.00025%); highest among the groups gnomAD compares: Non-Finnish European, 0.00034%; no homozygotes.

Submissions (2):

Myriad Genetics, Inc.
Classification: Likely benign for Breast-ovarian cancer, familial, susceptibility to, 3. Last evaluated: 2025-02-18. Review status: criteria provided, single submitter. Criteria: Myriad Autosomal Dominant, Autosomal Recessive and X-Linked Classification Criteria (2023). Collection method: clinical testing. Allele origin: unknown.
Comment: This variant is considered likely benign. This variant is intronic and is not expected to impact mRNA splicing.

Labcorp Genetics (formerly Invitae), Labcorp
Classification: Likely benign for Fanconi anemia complementation group O. Last evaluated: 2024-01-21. Review status: criteria provided, single submitter. Criteria: Invitae Variant Classification Sherloc (09022015). Collection method: clinical testing. Allele origin: germline.